The following is an entry in ClinVar:

NM_017654.4(SAMD9):c.3702A>C (p.Gly1234=)

Gene: SAMD9 (sterile alpha motif domain containing 9; minus strand). Cytogenetic location: 7q21.2.
Variant type: single nucleotide variant.
Coding change: c.3702A>C on transcript NM_017654.4 (MANE Select); coding-DNA position 3702, A replaced by C.
Protein change: p.Gly1234=; no amino-acid change (glycine 1234 retained).
Molecular consequence: synonymous variant.
Genome position (GRCh38, 1-based): chr7:93,102,396, T>G on the plus strand (A>C on the coding strand, the complement: SAMD9 is on the minus strand). VCF-style: chr7-93102396-T-G. GRCh37 (hg19) VCF-style: chr7-92731709-T-G.
Other names: c.3702A>C, p.Gly1234= (NM_001193307.2).
Identifiers: ClinVar variation 2443251 (VCV002443251.2), dbSNP rs2535354979, ClinGen allele CA456625444.

ClinVar aggregate classification (germline): Uncertain significance (0 of 4 stars; one submission).

Submission:

Genetic Services Laboratory, University of Chicago
Classification: Uncertain significance. Last evaluated: 2022-08-26. Review status: no assertion criteria provided. Collection method: clinical testing. Allele origin: germline. Affected: no.
Comment: DNA sequence analysis of the SAMD9 gene demonstrated a sequence change, c.3702A>C, in exon 3 which does not result in an amino acid change. This sequence change does not appear to have been previously described in patients with SAMD9-related disorders and has also not been described in the population databases such as ExAC and gnomAD. This sequence change is not predicted to have a deleterious effect on splicing based on in silico splice prediction programs. This sequence change affects a nucleotide that is not strongly conserved but is part of a group of nucleotides that appears to be conserved. As the c.3702A>C sequence change does not result in a change in the SAMD9 amino acid sequence, it is possible that this change is non-pathogenic and represents a benign sequence variant of the SAMD9 gene, however functional studies have not been performed to prove this conclusively. The functional significance of this sequence change is not known at present and its contribution to this patient's disease phenotype cannot definitively be determined.